The following is an entry in ClinVar:

NM_012414.4(RAB3GAP2):c.3613del (p.Met1205fs)

Gene: RAB3GAP2 (RAB3 GTPase activating non-catalytic protein subunit 2; minus strand). Cytogenetic location: 1q41.
Variant type: Deletion.
Coding change: c.3613del on transcript NM_012414.4 (MANE Select); coding-DNA position 3613, one base deleted (A; older notation c.3613delA).
Protein change: p.Met1205fs; shifts the reading frame from methionine 1205.
Molecular consequence: frameshift variant.
Genome position (GRCh38, 1-based): chr1:220,154,000, T deleted on the plus strand (A on the coding strand, the reverse complement: RAB3GAP2 is on the minus strand); the first of 3 consecutive T bases (chr1:220,154,000-220,154,002); deleting any one gives the same sequence. VCF-style (leftmost placement, unchanged base first): chr1-220153999-AT-A. GRCh37 (hg19) VCF-style: chr1-220327341-AT-A.
Other names: short protein forms M1205fs.
Identifiers: ClinVar variation 2952637 (VCV002952637.3), dbSNP rs2528609674, ClinGen allele CA2740092610.

ClinVar aggregate classification (germline): Pathogenic (1 of 4 stars; one submission).

Conditions:
Warburg micro syndrome 2 (WARBM2). Also called: MICRO SYNDROME 2. Identifiers: Orphanet 2510, MedGen C3280214, MONDO:0013641, OMIM 614225.
Martsolf syndrome (MARTS). Also called: Congenital cataract with intellectual disability and hypogonadotropic hypogonadism syndrome. Identifiers: Orphanet 1387, MedGen C0796037, MONDO:0023910.

Submission:

Labcorp Genetics (formerly Invitae), Labcorp
Classification: Pathogenic for Martsolf syndrome; Warburg micro syndrome 2. Last evaluated: 2023-10-09. Review status: criteria provided, single submitter. Criteria: Invitae Variant Classification Sherloc (09022015). Collection method: clinical testing. Allele origin: germline.
Comment: This sequence change creates a premature translational stop signal (p.Met1205Trpfs*14) in the RAB3GAP2 gene. It is expected to result in an absent or disrupted protein product. Loss-of-function variants in RAB3GAP2 are known to be pathogenic (PMID: 23420520). This variant is not present in population databases (gnomAD no frequency). This variant has not been reported in the literature in individuals affected with RAB3GAP2-related conditions. For these reasons, this variant has been classified as Pathogenic.

Literature cited by the submitters: PubMed 23420520.